The following is an entry in ClinVar:

ClinVar aggregate classification (germline): Uncertain significance (1 of 4 stars; one submission).

Submission:

Labcorp Genetics (formerly Invitae), Labcorp
Classification: Uncertain significance. Last evaluated: 2023-09-26. Review status: criteria provided, single submitter. Criteria: Invitae Variant Classification Sherloc (09022015). Collection method: clinical testing. Allele origin: germline.
Comment: This variant is not present in population databases (gnomAD no frequency). In summary, the available evidence is currently insufficient to determine the role of this variant in disease. Therefore, it has been classified as a Variant of Uncertain Significance. Algorithms developed to predict the effect of sequence changes on RNA splicing suggest that this variant may disrupt the consensus splice site. This variant has not been reported in the literature in individuals affected with POLG2-related conditions. This sequence change falls in intron 2 of the POLG2 gene. It does not directly change the encoded amino acid sequence of the POLG2 protein.

NM_007215.4(POLG2):c.690-19A>T

Genes: MILR1 (mast cell immunoglobulin like receptor 1; plus strand), POLG2 (DNA polymerase gamma 2, accessory subunit; minus strand). Cytogenetic location: 17q23.3.
Variant type: single nucleotide variant.
Coding change: c.690-19A>T on transcript NM_007215.4 (MANE Select); 19 bases into the intron before coding-DNA position 690, A replaced by T.
Molecular consequence: intron variant.
Genome position (GRCh38, 1-based): chr17:64,492,791, T>A on the plus strand (A>T on the coding strand, the complement: POLG2 is on the minus strand). VCF-style: chr17-64492791-T-A. GRCh37 (hg19) VCF-style: chr17-62488908-T-A.
Identifiers: ClinVar variation 2840335 (VCV002840335.3), dbSNP rs2509551567, ClinGen allele CA2739268313.